The following is an entry in ClinVar:

ClinVar aggregate classification (germline): Uncertain significance. Review status: criteria provided, multiple submitters, no conflicts (2 of 4 stars). 2 submissions from 2 submitters: Uncertain significance (2). Last evaluated 2024-07-05.

Conditions:
POLD1-related polyposis and colorectal cancer syndrome (CRCS10). Also called: Colorectal cancer, susceptibility to, 10; Colorectal cancer 10; COLORECTAL CANCER, SUSCEPTIBILITY TO, ON CHROMOSOME 19q. Identifiers: Orphanet 220460, MedGen C2675481, MONDO:0012953, OMIM 612591.
Hereditary cancer-predisposing syndrome. Also called: Tumor predisposition; Hereditary Cancer Syndrome; Hereditary neoplastic syndrome; Neoplastic Syndromes, Hereditary. Identifiers: Orphanet 140162, MedGen C0027672, MeSH D009386, MONDO:0015356.

Allele frequency attached by ClinVar (database versions not stated): gnomAD exomes below 0.00001.
gnomAD v4.1: 1 of 1,613,824 alleles (0.000062%); highest among the groups gnomAD compares: East Asian, 0.0022%; no homozygotes.

Submissions (2):

Ambry Genetics
Classification: Uncertain significance for Hereditary cancer-predisposing syndrome. Last evaluated: 2024-07-05. Review status: criteria provided, single submitter. Criteria: Ambry Variant Classification Scheme 2023. Collection method: clinical testing. Allele origin: germline.
Comment: The p.V124M variant (also known as c.370G>A), located in coding exon 3 of the POLD1 gene, results from a G to A substitution at nucleotide position 370. The valine at codon 124 is replaced by methionine, an amino acid with highly similar properties. This amino acid position is conserved. In addition, this alteration is predicted to be tolerated by in silico analysis. Based on the available evidence, the clinical significance of this variant remains unclear.

Labcorp Genetics (formerly Invitae), Labcorp
Classification: Uncertain significance for POLD1-related polyposis and colorectal cancer syndrome. Last evaluated: 2020-11-20. Review status: criteria provided, single submitter. Criteria: Invitae Variant Classification Sherloc (09022015). Collection method: clinical testing. Allele origin: germline.
Comment: This sequence change replaces valine with methionine at codon 124 of the POLD1 protein (p.Val124Met). The valine residue is weakly conserved and there is a small physicochemical difference between valine and methionine. In summary, the available evidence is currently insufficient to determine the role of this variant in disease. Therefore, it has been classified as a Variant of Uncertain Significance. Algorithms developed to predict the effect of missense changes on protein structure and function are either unavailable or do not agree on the potential impact of this missense change (SIFT: "Tolerated"; PolyPhen-2: "Possibly Damaging"; Align-GVGD: "Class C0"). This variant has not been reported in the literature in individuals with POLD1-related conditions. This variant is not present in population databases (ExAC no frequency).

NM_002691.4(POLD1):c.370G>A (p.Val124Met)

Gene: POLD1 (DNA polymerase delta 1, catalytic subunit; plus strand). Cytogenetic location: 19q13.33.
Variant type: single nucleotide variant.
Coding change: c.370G>A on transcript NM_002691.4 (MANE Select); coding-DNA position 370, G replaced by A.
Protein change: p.Val124Met; replaces valine 124 with methionine.
Molecular consequence: missense variant. On other transcripts: non-coding transcript variant (1).
Genome position (GRCh38, 1-based): chr19:50,401,831, G>A. VCF-style: chr19-50401831-G-A. GRCh37 (hg19) VCF-style: chr19-50905088-G-A.
Other names: c.370G>A (NM_002691.2); c.370G>A, p.Val124Met (NM_001256849.1, NM_001308632.1); short protein forms V124M.
Identifiers: ClinVar variation 1349642 (VCV001349642.9), dbSNP rs2122233080, ClinGen allele CA406972294.
Genomic context (GRCh38, chr19:50,401,831, plus strand): 5'-CCCACAGGCCCAGCGCAGCCTGTGCCTGGGGGGCCCCCACCATCCCGCGGCTCCGTGCCT[G>A]TGCTCCGCGCCTTCGGGGTCACCGATGAGGGGTTCTCTGTCTGCTGCCACATCCACGGCT-3'
Protein context (NP_002682.2, residues 114-134): GPPPSRGSVP[Val124Met]LRAFGVTDEG